The following is an entry in ClinVar:

NM_031407.7(HUWE1):c.10636+6T>A

Gene: HUWE1 (HECT, UBA and WWE domain containing E3 ubiquitin protein ligase 1; minus strand). Cytogenetic location: Xp11.22.
Variant type: single nucleotide variant.
Coding change: c.10636+6T>A on transcript NM_031407.7 (MANE Select); 6 bases into the intron after coding-DNA position 10636, T replaced by A.
Molecular consequence: intron variant.
Genome position (GRCh38, 1-based): chrX:53,547,667, A>T on the plus strand (T>A on the coding strand, the complement: HUWE1 is on the minus strand). VCF-style: chrX-53547667-A-T. GRCh37 (hg19) VCF-style: chrX-53574628-A-T.
Identifiers: ClinVar variation 1699798 (VCV001699798.3), dbSNP rs2147212563, ClinGen allele CA2580101228.

ClinVar aggregate classification (germline): Uncertain significance (1 of 4 stars; one submission).

Submission:

GeneDx
Classification: Uncertain significance. Last evaluated: 2026-05-24. Review status: criteria provided, single submitter. Criteria: GeneDx Variant Classification Process June 2021. Collection method: clinical testing. Allele origin: germline.
Comment: Not observed at significant frequency in large population cohorts (gnomAD); In silico analysis suggests that this variant does not alter splicing; Has not been previously published as pathogenic or benign to our knowledge